The following is an entry in ClinVar:

NM_015141.4(GPD1L):c.1019T>C (p.Met340Thr)

Gene: GPD1L (glycerol-3-phosphate dehydrogenase 1 like; plus strand). Cytogenetic location: 3p22.3.
Variant type: single nucleotide variant.
Coding change: c.1019T>C on transcript NM_015141.4 (MANE Select); coding-DNA position 1019, T replaced by C.
Protein change: p.Met340Thr; replaces methionine 340 with threonine.
Molecular consequence: missense variant.
Genome position (GRCh38, 1-based): chr3:32,165,873, T>C. VCF-style: chr3-32165873-T-C. GRCh37 (hg19) VCF-style: chr3-32207365-T-C.
Other names: short protein forms M340T.
Identifiers: ClinVar variation 1014889 (VCV001014889.5), dbSNP rs751063902, ClinGen allele CA2296821.

ClinVar aggregate classification (germline): Uncertain significance (1 of 4 stars; one submission).

Conditions:
Brugada syndrome. Also called: Sudden unexpected nocturnal death syndrome; Sudden Unexplained Death Syndrome; Sudden Unexplained Nocturnal Death Syndrome (SUNDS); Sudden unexplained nocturnal death syndrome. Identifiers: Orphanet 130, MedGen C1142166, MONDO:0015263.

Allele frequency attached by ClinVar (database versions not stated): ExAC 0.00001; gnomAD exomes 0.00001; TOPMed 0.00001.
gnomAD v4.1: 1 of 1,606,678 alleles (0.000062%); highest among the groups gnomAD compares: East Asian, 0.0022%; no homozygotes.

Submission:

Labcorp Genetics (formerly Invitae), Labcorp
Classification: Uncertain significance for Brugada syndrome. Last evaluated: 2024-08-13. Review status: criteria provided, single submitter. Criteria: Invitae Variant Classification Sherloc (09022015). Collection method: clinical testing. Allele origin: germline.
Comment: This sequence change replaces methionine, which is neutral and non-polar, with threonine, which is neutral and polar, at codon 340 of the GPD1L protein (p.Met340Thr). This variant is present in population databases (rs751063902, gnomAD 0.02%). This variant has not been reported in the literature in individuals affected with GPD1L-related conditions. ClinVar contains an entry for this variant (Variation ID: 1014889). Advanced modeling of protein sequence and biophysical properties (such as structural, functional, and spatial information, amino acid conservation, physicochemical variation, residue mobility, and thermodynamic stability) performed at Invitae indicates that this missense variant is not expected to disrupt GPD1L protein function with a negative predictive value of 80%. In summary, the available evidence is currently insufficient to determine the role of this variant in disease. Therefore, it has been classified as a Variant of Uncertain Significance.